The following is an entry in ClinVar:

NM_173348.2(FAM149B1):c.462T>C (p.Gly154=)

Gene: FAM149B1 (family with sequence similarity 149 member B1; plus strand). Cytogenetic location: 10q22.2.
Variant type: single nucleotide variant.
Coding change: c.462T>C on transcript NM_173348.2 (MANE Select); coding-DNA position 462, T replaced by C.
Protein change: p.Gly154=; no amino-acid change (glycine 154 retained).
Molecular consequence: synonymous variant.
Genome position (GRCh38, 1-based): chr10:73,193,513, T>C. VCF-style: chr10-73193513-T-C. GRCh37 (hg19) VCF-style: chr10-74953271-T-C.
Identifiers: ClinVar variation 4873223 (VCV004873223.2).
Genomic context (GRCh38, chr10:73,193,513, plus strand): 5'-TGTCTGTGTTTCTTCATTTTGAAGGATTCTAGGTAGGCAGATAATCACTCCAAGTGAAGG[T>C]TATAGATTGTATCCTAGATCCCCTTCTGCTGTTTCCGCTTCATATGAAACAACCTTGTCT-3'
Protein context (NP_775483.1, residues 144-164): LGRQIITPSE[Gly154=]YRLYPRSPSA

ClinVar aggregate classification (germline): Likely benign (1 of 4 stars; one submission).

gnomAD v4.1: 40 of 1,550,116 alleles (0.0026%); highest among the groups gnomAD compares: Non-Finnish European, 0.0034%; no homozygotes.

Submission:

CeGaT Center for Human Genetics Tuebingen
Classification: Likely benign. Last evaluated: 2026-05-01. Review status: criteria provided, single submitter. Criteria: CeGaT Center For Human Genetics Tuebingen Variant Classification Criteria Version 2. Collection method: clinical testing. Allele origin: germline. Affected: yes. Observed: 1 variant allele.
Comment: FAM149B1: BP4, BP7